The following is an entry in ClinVar:

NM_000384.3(APOB):c.-115C>G

Genes: APOB (apolipoprotein B; minus strand), LOC106560211 (APOB 5' regulatory region; plus strand). Cytogenetic location: 2p24.1.
Variant type: single nucleotide variant.
Coding change: c.-115C>G on transcript NM_000384.3 (MANE Select); 115 bases upstream of the start codon, C replaced by G.
Molecular consequence: 5 prime UTR variant.
Genome position (GRCh38, 1-based): chr2:21,044,060, G>C on the plus strand (C>G on the coding strand, the complement: APOB is on the minus strand). VCF-style: chr2-21044060-G-C. GRCh37 (hg19) VCF-style: chr2-21266932-G-C.
Identifiers: ClinVar variation 265871 (VCV000265871.13), dbSNP rs1800480, ClinGen allele CA10588892.

ClinVar aggregate classification (germline): Conflicting classifications of pathogenicity. Review status: criteria provided, conflicting classifications (1 of 4 stars). 4 submissions from 4 submitters: Uncertain significance (1); Benign (2); Likely benign (1). Last evaluated 2026-09-01.

Conditions:
Familial hypercholesterolemia. Also called: Familial hypercholesterolaemia; Familial hypercholesterolemias. Identifiers: MedGen C0020445, MONDO:0005439.
Hypercholesterolemia, familial, 1. Also called: LDL RECEPTOR DISORDER; Hyperlipoproteinemia Type IIa; HYPER-LOW-DENSITY-LIPOPROTEINEMIA; HYPERCHOLESTEROLEMIC XANTHOMATOSIS, FAMILIAL; Fredrickson type IIa hyperlipoproteinemia; Hyperlipoproteinemia type 2. Identifiers: Orphanet 391665, MedGen C0745103, MONDO:0007750, OMIM 143890.
Hypercholesterolemia, autosomal dominant, type B (FHCL2). Also called: APOB-Related Familial Hypercholesterolemia, Autosomal Dominant; Familial hypercholesterolemia 2; APOLIPOPROTEIN B-100, FAMILIAL DEFECTIVE; APOLIPOPROTEIN B-100, FAMILIAL LIGAND-DEFECTIVE; Familial Hypercholesterolemia Type B; Hyperlipoproteinemia Type IIb. Identifiers: MedGen C1704417, MONDO:0007751, OMIM 144010.

Allele frequency attached by ClinVar (database versions not stated): 1000 Genomes Project 0.01717; 1000 Genomes Project 30x 0.01811; TOPMed 0.01939.
gnomAD v4.1: 5,402 of 425,854 alleles (1.3%); highest among the groups gnomAD compares: African/African-American, 3.7%; 62 homozygotes.

Submissions (4):

CeGaT Center for Human Genetics Tuebingen
Classification: Benign. Last evaluated: 2026-09-01. Review status: criteria provided, single submitter. Criteria: CeGaT Center For Human Genetics Tuebingen Variant Classification Criteria Version 2. Collection method: clinical testing. Allele origin: germline. Affected: yes. Observed: 21 variant alleles.
Comment: APOB: BS1, BS2

GENinCode PLC
Classification: Benign for Familial hypercholesterolemia. Last evaluated: 2023-08-03. Review status: criteria provided, single submitter. Criteria: ACMG Guidelines, 2015. Collection method: clinical testing. Allele origin: germline.

Illumina Laboratory Services, Illumina
Classification: Likely benign for Hypercholesterolemia, autosomal dominant, type B. Last evaluated: 2018-04-24. Review status: criteria provided, single submitter. Criteria: ICSL Variant Classification Criteria 13 December 2019. Collection method: clinical testing. Allele origin: germline.
Comment: This variant was observed as part of a predisposition screen in an ostensibly healthy population. A literature search was performed for the gene, cDNA change, and amino acid change (where applicable). Publications were found based on this search. The evidence from the literature, in combination with allele frequency data from public databases where available, was sufficient to determine this variant is unlikely to cause disease. Therefore, this variant is classified as likely benign.

Cardiovascular Research Group, Instituto Nacional de Saude Doutor Ricardo Jorge
Classification: Uncertain significance for Familial hypercholesterolemia. Last evaluated: 2016-03-01. Review status: criteria provided, single submitter. Criteria: ACMG Guidelines, 2015. Collection method: research. Allele origin: germline. Affected: yes.

Literature cited by the submitters: PubMed 22095935 (cited by Illumina Laboratory Services, Illumina).